The following is an entry in ClinVar:

ClinVar aggregate classification (germline): Uncertain significance (1 of 4 stars; one submission).

Conditions:
Early-infantile DEE. Also called: Ohtahara syndrome; Early infantile epileptic encephalopathy with suppression bursts; Early infantile epileptic encephalopathy. Identifiers: Orphanet 1934, MedGen C0393706, MONDO:0800491.

Submission:

Labcorp Genetics (formerly Invitae), Labcorp
Classification: Uncertain significance for Early-infantile DEE. Last evaluated: 2022-08-16. Review status: criteria provided, single submitter. Criteria: Invitae Variant Classification Sherloc (09022015). Collection method: clinical testing. Allele origin: germline.
Comment: Variants that disrupt the consensus splice site are a relatively common cause of aberrant splicing (PMID: 17576681, 9536098). Algorithms developed to predict the effect of sequence changes on RNA splicing suggest that this variant is not likely to affect RNA splicing. In summary, the available evidence is currently insufficient to determine the role of this variant in disease. Therefore, it has been classified as a Variant of Uncertain Significance. This variant has not been reported in the literature in individuals affected with SCN8A-related conditions. This variant is not present in population databases (gnomAD no frequency). This sequence change falls in intron 21 of the SCN8A gene. It does not directly change the encoded amino acid sequence of the SCN8A protein. It affects a nucleotide within the consensus splice site.

Literature cited by the submitters: PubMed 17576681; PubMed 9536098.

NM_001330260.2(SCN8A):c.3942+3A>T

Gene: SCN8A (sodium voltage-gated channel alpha subunit 8; plus strand). Cytogenetic location: 12q13.13.
Variant type: single nucleotide variant.
Coding change: c.3942+3A>T on transcript NM_001330260.2 (MANE Select); 3 bases into the intron after coding-DNA position 3942, A replaced by T.
Molecular consequence: intron variant.
Genome position (GRCh38, 1-based): chr12:51,780,774, A>T. VCF-style: chr12-51780774-A-T. GRCh37 (hg19) VCF-style: chr12-52174558-A-T.
Other names: c.3942+3A>T (NM_014191.4); c.3820-5768A>T (NM_001177984.3, NM_001369788.1).
Identifiers: ClinVar variation 1961165 (VCV001961165.5), dbSNP rs2540292651, ClinGen allele CA2580086412.